The following is an entry in ClinVar:

NM_001164665.2(KIAA1549):c.5617C>G (p.Gln1873Glu)

Gene: KIAA1549 (KIAA1549; minus strand). Cytogenetic location: 7q34.
Variant type: single nucleotide variant.
Coding change: c.5617C>G on transcript NM_001164665.2 (MANE Select); coding-DNA position 5617, C replaced by G.
Protein change: p.Gln1873Glu; replaces glutamine 1873 with glutamic acid.
Molecular consequence: missense variant. On other transcripts: intron variant (1).
Genome position (GRCh38, 1-based): chr7:138,838,142, G>C on the plus strand (C>G on the coding strand, the complement: KIAA1549 is on the minus strand). VCF-style: chr7-138838142-G-C. GRCh37 (hg19) VCF-style: chr7-138522887-G-C.
Other names: c.5599-30C>G (NM_020910.3); short protein forms Q1873E.
Identifiers: ClinVar variation 2072756 (VCV002072756.4), dbSNP rs772855702, ClinGen allele CA167135576.
Genomic context (GRCh38, chr7:138,838,142, plus strand): 5'-CTGAGGGCTCCCTGCCTGAAGTCCTTGGCACCTGAAATAGCGGTGAAGAAGAATACTCTT[G>C]ATGTCCGAGCATGTGTGTCTGAAAAACATGGCAAACGTCACTGTACTTCCTACGAAGAAT-3'
Protein context (NP_001158137.1, residues 1863-1883): RREATHMLGH[Gln1873Glu]EYSSSPLFQV

ClinVar aggregate classification (germline): Uncertain significance (1 of 4 stars; one submission).

Allele frequency attached by ClinVar (database versions not stated): gnomAD exomes below 0.00001.
gnomAD v4.1: 3 of 1,493,304 alleles (0.0002%); highest among the groups gnomAD compares: Non-Finnish European, 0.00027%; no homozygotes.

Submission:

Labcorp Genetics (formerly Invitae), Labcorp
Classification: Uncertain significance. Last evaluated: 2022-04-11. Review status: criteria provided, single submitter. Criteria: Invitae Variant Classification Sherloc (09022015). Collection method: clinical testing. Allele origin: germline.
Comment: Algorithms developed to predict the effect of missense changes on protein structure and function are either unavailable or do not agree on the potential impact of this missense change (SIFT: "Tolerated"; PolyPhen-2: "Probably Damaging"; Align-GVGD: "Class C0"). In summary, the available evidence is currently insufficient to determine the role of this variant in disease. Therefore, it has been classified as a Variant of Uncertain Significance. This variant has not been reported in the literature in individuals affected with KIAA1549-related conditions. This variant is not present in population databases (gnomAD no frequency). This sequence change replaces glutamine, which is neutral and polar, with glutamic acid, which is acidic and polar, at codon 1873 of the KIAA1549 protein (p.Gln1873Glu).